The following is an entry in ClinVar:

NM_182972.3(IRF2BP2):c.518G>A (p.Arg173His)

Gene: IRF2BP2 (interferon regulatory factor 2 binding protein 2; minus strand). Cytogenetic location: 1q42.3.
Variant type: single nucleotide variant.
Coding change: c.518G>A on transcript NM_182972.3 (MANE Select); coding-DNA position 518, G replaced by A.
Protein change: p.Arg173His; replaces arginine 173 with histidine.
Molecular consequence: missense variant.
Genome position (GRCh38, 1-based): chr1:234,608,977, C>T on the plus strand (G>A on the coding strand, the complement: IRF2BP2 is on the minus strand). VCF-style: chr1-234608977-C-T. GRCh37 (hg19) VCF-style: chr1-234744723-C-T.
Other names: c.518G>A, p.Arg173His (NM_001077397.1); short protein forms R173H.
Identifiers: ClinVar variation 1465380 (VCV001465380.8), dbSNP rs2102769845, ClinGen allele CA345309923.

ClinVar aggregate classification (germline): Uncertain significance (1 of 4 stars; one submission).

gnomAD v4.1: 1 of 1,357,968 alleles (0.000074%); highest among the groups gnomAD compares: East Asian, 0.0028%; no homozygotes.

Submission:

Labcorp Genetics (formerly Invitae), Labcorp
Classification: Uncertain significance. Last evaluated: 2022-08-16. Review status: criteria provided, single submitter. Criteria: Invitae Variant Classification Sherloc (09022015). Collection method: clinical testing. Allele origin: germline.
Comment: Algorithms developed to predict the effect of missense changes on protein structure and function are either unavailable or do not agree on the potential impact of this missense change (SIFT: "Tolerated"; PolyPhen-2: "Possibly Damaging"; Align-GVGD: "Class C0"). This sequence change replaces arginine, which is basic and polar, with histidine, which is basic and polar, at codon 173 of the IRF2BP2 protein (p.Arg173His). This variant is not present in population databases (gnomAD no frequency). This variant has not been reported in the literature in individuals affected with IRF2BP2-related conditions. ClinVar contains an entry for this variant (Variation ID: 1465380). In summary, the available evidence is currently insufficient to determine the role of this variant in disease. Therefore, it has been classified as a Variant of Uncertain Significance.